The following is an entry in ClinVar:

ClinVar aggregate classification (germline): Benign/Likely benign. Review status: criteria provided, multiple submitters, no conflicts (2 of 4 stars). 4 submissions from 4 submitters: Benign (3); Likely benign (1). Last evaluated 2026-05-14.

Conditions:
Hypohidrotic ectodermal dysplasia (HED). Identifiers: Orphanet 238468, MedGen C5848103, MONDO:0016535, HP:0007607.
EDAR-related disorder. Also called: EDAR-related condition.
Autosomal recessive hypohidrotic ectodermal dysplasia syndrome. Also called: Autosomal recessive hypohidrotic ectodermal dysplasia. Identifiers: Orphanet 248, MedGen C0406702, MONDO:0016619.
Ectodermal dysplasia 10A, hypohidrotic/hair/nail type, autosomal dominant (ECTD10A). Also called: Ectodermal Dysplasia 3, Anhidrotic. Identifiers: Orphanet 1810, Orphanet 238468, MedGen C3888065, MONDO:0007509, OMIM 129490.

Allele frequency attached by ClinVar (database versions not stated): gnomAD exomes 0.00104; ExAC 0.00122; gnomAD 0.00379 and 0.00401; ESP Exome Variant Server 0.00415; TOPMed 0.00442; 1000 Genomes Project 0.00479; 1000 Genomes Project 30x 0.00531.
gnomAD v4.1: 1,191 of 1,614,154 alleles (0.074%); highest among the groups gnomAD compares: African/African-American, 1.4%; 11 homozygotes.

Submissions (4):

PreventionGenetics, part of Exact Sciences
Classification: Benign for EDAR-related condition. Last evaluated: 2026-05-14. Review status: criteria provided, single submitter. Criteria: ACMG Guidelines, 2015. Collection method: clinical testing. Allele origin: germline.
Comment: This variant is classified as benign based on ACMG/AMP sequence variant interpretation guidelines (Richards et al. 2015 PMID: 25741868, with internal and published modifications).

Labcorp Genetics (formerly Invitae), Labcorp
Classification: Benign for Ectodermal dysplasia 10A, hypohidrotic/hair/nail type, autosomal dominant; Autosomal recessive hypohidrotic ectodermal dysplasia syndrome. Last evaluated: 2025-12-08. Review status: criteria provided, single submitter. Criteria: Invitae Variant Classification Sherloc (09022015). Collection method: clinical testing. Allele origin: germline.

Blueprint Genetics
Classification: Likely benign. Last evaluated: 2024-08-06. Review status: criteria provided, single submitter. Criteria: ACMG Guidelines, 2015. Collection method: clinical testing. Allele origin: germline.

Illumina Laboratory Services, Illumina
Classification: Benign for Hypohidrotic ectodermal dysplasia. Last evaluated: 2018-01-13. Review status: criteria provided, single submitter. Criteria: ICSL Variant Classification Criteria 13 December 2019. Collection method: clinical testing. Allele origin: germline.
Comment: This variant was observed in the ICSL laboratory as part of a predisposition screen in an ostensibly healthy population. It had not been previously curated by ICSL or reported in the Human Gene Mutation Database (HGMD: prior to June 1st, 2018), and was therefore a candidate for classification through an automated scoring system. Utilizing variant allele frequency, disease prevalence and penetrance estimates, and inheritance mode, an automated score was calculated to assess if this variant is too frequent to cause the disease. Based on the score and internal cut-off values, a variant classified as benign is not then subjected to further curation. The score for this variant resulted in a classification of benign for this disease.

NM_022336.4(EDAR):c.1179C>T (p.Asp393=)

Genes: EDAR (ectodysplasin A receptor; minus strand), RANBP2 (RAN binding protein 2; plus strand). Cytogenetic location: 2q13.
Variant type: single nucleotide variant.
Coding change: c.1179C>T on transcript NM_022336.4 (MANE Select); coding-DNA position 1179, C replaced by T.
Protein change: p.Asp393=; no amino-acid change (aspartic acid 393 retained).
Molecular consequence: synonymous variant.
Genome position (GRCh38, 1-based): chr2:108,897,075, G>A on the plus strand (C>T on the coding strand, the complement: EDAR is on the minus strand). VCF-style: chr2-108897075-G-A. GRCh37 (hg19) VCF-style: chr2-109513531-G-A.
Identifiers: ClinVar variation 706526 (VCV000706526.15), dbSNP rs115930248, ClinGen allele CA1824804.